The following is an entry in ClinVar:

ClinVar aggregate classification (germline): Conflicting classifications of pathogenicity. Review status: criteria provided, conflicting classifications (1 of 4 stars). 3 submissions from 3 submitters: Uncertain significance (2); Likely benign (1). Last evaluated 2025-03-30.

Allele frequency attached by ClinVar (database versions not stated): gnomAD exomes 0.00001 and 0.00002; ExAC 0.00003; gnomAD 0.00011; TOPMed 0.00013; ESP Exome Variant Server 0.00015.
gnomAD v4.1: 55 of 1,612,368 alleles (0.0034%); highest among the groups gnomAD compares: African/African-American, 0.048%; no homozygotes.

Submissions (3):

Labcorp Genetics (formerly Invitae), Labcorp
Classification: Uncertain significance. Last evaluated: 2025-03-30. Review status: criteria provided, single submitter. Criteria: Invitae Variant Classification Sherloc (09022015). Collection method: clinical testing. Allele origin: germline.
Comment: This sequence change replaces proline, which is neutral and non-polar, with alanine, which is neutral and non-polar, at codon 385 of the IMPG1 protein (p.Pro385Ala). This variant is present in population databases (rs368030642, gnomAD 0.02%). This variant has not been reported in the literature in individuals affected with IMPG1-related conditions. ClinVar contains an entry for this variant (Variation ID: 968045). An algorithm developed to predict the effect of missense changes on protein structure and function (PolyPhen-2) suggests that this variant is likely to be tolerated. In summary, the available evidence is currently insufficient to determine the role of this variant in disease. Therefore, it has been classified as a Variant of Uncertain Significance.

Ambry Genetics
Classification: Uncertain significance. Last evaluated: 2025-01-24. Review status: criteria provided, single submitter. Criteria: Ambry Variant Classification Scheme 2023. Collection method: clinical testing. Allele origin: germline.

Blueprint Genetics
Classification: Likely benign. Last evaluated: 2021-10-12. Review status: criteria provided, single submitter. Criteria: ACMG Guidelines, 2015. Collection method: clinical testing. Allele origin: germline.

NM_001563.4(IMPG1):c.1153C>G (p.Pro385Ala)

Gene: IMPG1 (interphotoreceptor matrix proteoglycan 1; minus strand). Cytogenetic location: 6q14.1.
Variant type: single nucleotide variant.
Coding change: c.1153C>G on transcript NM_001563.4 (MANE Select); coding-DNA position 1153, C replaced by G.
Protein change: p.Pro385Ala; replaces proline 385 with alanine.
Molecular consequence: missense variant.
Genome position (GRCh38, 1-based): chr6:76,003,933, G>C on the plus strand (C>G on the coding strand, the complement: IMPG1 is on the minus strand). VCF-style: chr6-76003933-G-C. GRCh37 (hg19) VCF-style: chr6-76713650-G-C.
Other names: c.919C>G, p.Pro307Ala (NM_001282368.2); c.1153C>G (NM_001563.2); short protein forms P307A, P385A.
Identifiers: ClinVar variation 968045 (VCV000968045.9), dbSNP rs368030642, ClinGen allele CA3898214.